The following is an entry in ClinVar:

ClinVar aggregate classification (germline): Uncertain significance (1 of 4 stars; one submission).

Conditions:
Early Myoclonic Encephalopathy. Identifiers: MedGen C0270855.

Submission:

Labcorp Genetics (formerly Invitae), Labcorp
Classification: Uncertain significance for Early Myoclonic Encephalopathy. Last evaluated: 2019-06-14. Review status: criteria provided, single submitter. Criteria: Invitae Variant Classification Sherloc (09022015). Collection method: clinical testing. Allele origin: germline.
Comment: This sequence change replaces lysine with asparagine at codon 174 of the JMJD1C protein (p.Lys174Asn). The lysine residue is moderately conserved and there is a moderate physicochemical difference between lysine and asparagine. This variant is not present in population databases (ExAC no frequency). This variant has not been reported in the literature in individuals with JMJD1C-related conditions. Algorithms developed to predict the effect of missense changes on protein structure and function are either unavailable or do not agree on the potential impact of this missense change (SIFT: "Deleterious"; PolyPhen-2: "Benign"; Align-GVGD: "Class C0"). In summary, the available evidence is currently insufficient to determine the role of this variant in disease. Therefore, it has been classified as a Variant of Uncertain Significance.

NM_032776.3(JMJD1C):c.522G>T (p.Lys174Asn)

Gene: JMJD1C (jumonji domain containing 1C; minus strand). Cytogenetic location: 10q21.3.
Variant type: single nucleotide variant.
Coding change: c.522G>T on transcript NM_032776.3 (MANE Select); coding-DNA position 522, G replaced by T.
Protein change: p.Lys174Asn; replaces lysine 174 with asparagine.
Molecular consequence: missense variant. On other transcripts: 5 prime UTR variant (3), intron variant (2).
Genome position (GRCh38, 1-based): chr10:63,219,909, C>A on the plus strand (G>T on the coding strand, the complement: JMJD1C is on the minus strand). VCF-style: chr10-63219909-C-A. GRCh37 (hg19) VCF-style: chr10-64979669-C-A.
Other names: c.-25G>T (NM_001282948.2, NM_001318154.2); c.-347G>T (NM_001318153.2); c.408G>T, p.Lys136Asn (NM_001322252.2); c.-104-2578G>T (NM_001322258.2, NM_001322254.2); short protein forms K174N, K136N.
Identifiers: ClinVar variation 948611 (VCV000948611.9), dbSNP rs1848413281, ClinGen allele CA377054001.